The following is an entry in ClinVar:

NM_001287491.2(TET3):c.5172G>A (p.Gln1724=)

Gene: TET3 (tet methylcytosine dioxygenase 3; plus strand). Cytogenetic location: 2p13.1.
Variant type: single nucleotide variant.
Coding change: c.5172G>A on transcript NM_001287491.2 (MANE Select); coding-DNA position 5172, G replaced by A.
Protein change: p.Gln1724=; no amino-acid change (glutamine 1724 retained).
Molecular consequence: synonymous variant.
Genome position (GRCh38, 1-based): chr2:74,101,960, G>A. VCF-style: chr2-74101960-G-A. GRCh37 (hg19) VCF-style: chr2-74329087-G-A.
Other names: c.4893G>A, p.Gln1631= (NM_001366022.1).
Identifiers: ClinVar variation 780351 (VCV000780351.7), dbSNP rs79170439, ClinGen allele CA1719363.

ClinVar aggregate classification (germline): Benign. Review status: criteria provided, multiple submitters, no conflicts (2 of 4 stars). 3 submissions from 3 submitters: Benign (2). 1 of the submissions does not count toward it. Last evaluated 2019-12-31.

Conditions:
TET3-related disorder. Also called: TET3-Related Disease; TET3-related condition.

Allele frequency attached by ClinVar (database versions not stated): gnomAD 0.02629 and 0.02799; ESP Exome Variant Server 0.02557; TOPMed 0.02976; 1000 Genomes Project 30x 0.03498; 1000 Genomes Project 0.03315.
gnomAD v4.1: 8,011 of 1,609,850 alleles (0.5%); highest among the groups gnomAD compares: African/African-American, 9.6%; 344 homozygotes.

Submissions (3):

Labcorp Genetics (formerly Invitae), Labcorp
Classification: Benign. Last evaluated: 2019-12-31. Review status: criteria provided, single submitter. Criteria: Invitae Variant Classification Sherloc (09022015). Collection method: clinical testing. Allele origin: germline.

Breakthrough Genomics
Classification: Benign. Review status: criteria provided, single submitter. Criteria: ACMG Guidelines, 2015. Collection method: not provided. Allele origin: germline. Inheritance: Autosomal dominant inheritance. Affected: yes.

PreventionGenetics, part of Exact Sciences
Classification: Benign for TET3-related condition. Last evaluated: 2020-02-24. Review status: no assertion criteria provided. Collection method: clinical testing. Allele origin: germline. Not counted in ClinVar's aggregate classification.
Comment: This variant is classified as benign based on ACMG/AMP sequence variant interpretation guidelines (Richards et al. 2015 PMID: 25741868, with internal and published modifications).